The following is an entry in ClinVar:

ClinVar aggregate classification (germline): Likely benign (1 of 4 stars; one submission).

Allele frequency attached by ClinVar (database versions not stated): 1000 Genomes Project 0.00919; gnomAD 0.02014 and 0.02078; gnomAD exomes 0.03162 and 0.02087; TOPMed 0.01792; ExAC 0.02229; ESP Exome Variant Server 0.02384; 1000 Genomes Project 30x 0.00874.
gnomAD v4.1: 47,531 of 1,572,704 alleles (3%); highest among the groups gnomAD compares: Non-Finnish European, 3.7%; 909 homozygotes.

Submission:

GeneDx
Classification: Likely benign. Last evaluated: 2018-06-19. Review status: criteria provided, single submitter. Criteria: GeneDx Variant Classification (06012015). Collection method: clinical testing. Allele origin: germline. Affected: yes.
Comment: This variant is considered likely benign or benign based on one or more of the following criteria: it is a conservative change, it occurs at a poorly conserved position in the protein, it is predicted to be benign by multiple in silico algorithms, and/or has population frequency not consistent with disease.

NM_002890.3(RASA1):c.540-27G>A

Genes: CCNH (cyclin H; minus strand), RASA1 (RAS p21 protein activator 1; plus strand). Cytogenetic location: 5q14.3.
Variant type: single nucleotide variant.
Coding change: c.540-27G>A on transcript NM_002890.3 (MANE Select); 27 bases into the intron before coding-DNA position 540, G replaced by A.
Molecular consequence: intron variant.
Genome position (GRCh38, 1-based): chr5:87,331,321, G>A. VCF-style: chr5-87331321-G-A. GRCh37 (hg19) VCF-style: chr5-86627138-G-A.
Other names: c.934-18526C>T (NM_001364075.2); c.9-27G>A (NM_022650.3).
Identifiers: ClinVar variation 561432 (VCV000561432.3), dbSNP rs13157168, ClinGen allele CA3335516.